The following is an entry in ClinVar:

ClinVar aggregate classification (germline): Pathogenic/Likely pathogenic. Review status: criteria provided, multiple submitters, no conflicts (2 of 4 stars). 2 submissions from 2 submitters: Pathogenic (1); Likely pathogenic (1). Last evaluated 2025-03-31.

Conditions:
Menkes kinky-hair syndrome (MNK). Also called: Menkes Disease; Copper transport disease; Classic Menkes Disease. Identifiers: Orphanet 565, MedGen C0022716, MONDO:0010651, OMIM 309400.
Cutis laxa, X-linked (OHS). Also called: EDS IX; Occipital horn syndrome. Identifiers: Orphanet 198, MedGen C0268353, MONDO:0010572, OMIM 304150.
X-linked distal spinal muscular atrophy type 3. Also called: SPINAL MUSCULAR ATROPHY, DISTAL, X-LINKED RECESSIVE; NEURONOPATHY, DISTAL HEREDITARY MOTOR, X-LINKED; NEUROPATHY, DISTAL HEREDITARY MOTOR, X-LINKED; ATP7A-Related Distal Motor Neuropathy. Identifiers: Orphanet 139557, MedGen C1845359, MONDO:0010338, OMIM 300489.

Submissions (2):

Labcorp Genetics (formerly Invitae), Labcorp
Classification: Likely pathogenic for X-linked distal spinal muscular atrophy type 3; Cutis laxa, X-linked; Menkes kinky-hair syndrome. Last evaluated: 2025-03-31. Review status: criteria provided, single submitter. Criteria: Invitae Variant Classification Sherloc (09022015). Collection method: clinical testing. Allele origin: germline.
Comment: This sequence change falls in intron 14 of the ATP7A gene. It does not directly change the encoded amino acid sequence of the ATP7A protein. It affects a nucleotide within the consensus splice site. This variant is not present in population databases (gnomAD no frequency). This variant has been observed in individuals with Menkes disease (PMID: 21494555, 32293788; internal data). ClinVar contains an entry for this variant (Variation ID: 210437). Variants that disrupt the consensus splice site are a relatively common cause of aberrant splicing (PMID: 17576681, 9536098). Algorithms developed to predict the effect of sequence changes on RNA splicing suggest that this variant may disrupt the consensus splice site. In summary, the currently available evidence indicates that the variant is pathogenic, but additional data are needed to prove that conclusively. Therefore, this variant has been classified as Likely Pathogenic.

Genetic Services Laboratory, University of Chicago
Classification: Pathogenic for Menkes disease. Last evaluated: 2013-02-08. Review status: criteria provided, single submitter. Criteria: ACMG Guidelines, 2007. Collection method: clinical testing. Allele origin: germline. Affected: yes.

Literature cited by the submitters: PubMed 21494555 (cited by Labcorp Genetics (formerly Invitae), Labcorp); PubMed 32293788 (cited by Labcorp Genetics (formerly Invitae), Labcorp); PubMed 17576681 (cited by Labcorp Genetics (formerly Invitae), Labcorp); PubMed 9536098 (cited by Labcorp Genetics (formerly Invitae), Labcorp).

NM_000052.7(ATP7A):c.2916+3_2916+6del

Gene: ATP7A (ATPase copper transporting alpha; plus strand). Cytogenetic location: Xq21.1.
Variant type: Deletion.
Coding change: c.2916+3_2916+6del on transcript NM_000052.7 (MANE Select); bases 3 to 6 of the intron after coding-DNA position 2916, 4 bases deleted (AAGT; older notation c.2916+3_2916+6delAAGT).
Molecular consequence: splice donor variant.
Genome position (GRCh38, 1-based): chrX:78,021,082-78,021,085, AAGT deleted; deleting any 4 consecutive bases within chrX:78,021,080-78,021,085 gives the same sequence; the c. name uses the placement nearest the transcript's 3' end. VCF-style (leftmost placement, unchanged base first): chrX-78021079-TGTAA-T. GRCh37 (hg19) VCF-style: chrX-77276576-TGTAA-T.
Other names: c.2682+3_2682+6del (NM_001282224.2).
Identifiers: ClinVar variation 210437 (VCV000210437.10), dbSNP rs797045364, ClinGen allele CA277235.